The following is an entry in ClinVar:

ClinVar aggregate classification (germline): Conflicting classifications of pathogenicity. Review status: criteria provided, conflicting classifications (1 of 4 stars). 5 submissions from 4 submitters: Uncertain significance (2); Benign (2); Likely benign (1). Last evaluated 2025-12-09.

Conditions:
Wagner disease. Also called: WAGNER VITREORETINAL DEGENERATION; Wagner Vitreoretinal Degeneration (Wagner Synrdome); Wagner syndrome; HYALOIDEORETINAL DEGENERATION OF WAGNER; WAGNER VITREORETINOPATHY; WAGNER SYNDROME 1. Identifiers: Orphanet 898, MedGen C1840452, MONDO:0007740, OMIM 143200.
Inborn genetic diseases. Identifiers: MedGen C0950123, MeSH D030342.
Vitreoretinopathy. Also called: Vitreoretinal degeneration. Identifiers: MedGen C0344290, MONDO:0020248, HP:0007773.

Allele frequency attached by ClinVar (database versions not stated): ExAC 0.00002; gnomAD 0.00003 and 0.00004; gnomAD exomes 0.00003 and 0.00004; TOPMed 0.00003.
gnomAD v4.1: 64 of 1,614,008 alleles (0.004%); highest among the groups gnomAD compares: Non-Finnish European, 0.0053%; no homozygotes.

Submissions (5):

Labcorp Genetics (formerly Invitae), Labcorp
Classification: Uncertain significance. Last evaluated: 2025-12-09. Review status: criteria provided, single submitter. Criteria: Invitae Variant Classification Sherloc (09022015). Collection method: clinical testing. Allele origin: germline.
Comment: This sequence change replaces isoleucine, which is neutral and non-polar, with valine, which is neutral and non-polar, at codon 3207 of the VCAN protein (p.Ile3207Val). This variant is present in population databases (rs763005838, gnomAD 0.005%). This variant has not been reported in the literature in individuals affected with VCAN-related conditions. ClinVar contains an entry for this variant (Variation ID: 904378). An algorithm developed to predict the effect of missense changes on protein structure and function (PolyPhen-2) suggests that this variant is likely to be disruptive. In summary, the available evidence is currently insufficient to determine the role of this variant in disease. Therefore, it has been classified as a Variant of Uncertain Significance.

Ambry Genetics
Classification: Uncertain significance for Inborn genetic diseases. Last evaluated: 2024-12-12. Review status: criteria provided, single submitter. Criteria: Ambry Variant Classification Scheme 2023. Collection method: clinical testing. Allele origin: germline.

Blueprint Genetics
Classification: Likely benign. Last evaluated: 2022-05-31. Review status: criteria provided, single submitter. Criteria: ACMG Guidelines, 2015. Collection method: clinical testing. Allele origin: germline.

Illumina Laboratory Services, Illumina
Classification: Benign for Vitreoretinopathy. Last evaluated: 2018-01-13. Review status: criteria provided, single submitter. Criteria: ICSL Variant Classification Criteria 13 December 2019. Collection method: clinical testing. Allele origin: germline.
Comment: This variant was observed in the ICSL laboratory as part of a predisposition screen in an ostensibly healthy population. It had not been previously curated by ICSL or reported in the Human Gene Mutation Database (HGMD: prior to June 1st, 2018), and was therefore a candidate for classification through an automated scoring system. Utilizing variant allele frequency, disease prevalence and penetrance estimates, and inheritance mode, an automated score was calculated to assess if this variant is too frequent to cause the disease. Based on the score and internal cut-off values, a variant classified as benign is not then subjected to further curation. The score for this variant resulted in a classification of benign for this disease.

Illumina Laboratory Services, Illumina
Classification: Benign for Wagner disease. Last evaluated: 2018-01-13. Review status: criteria provided, single submitter. Criteria: ICSL Variant Classification Criteria 13 December 2019. Collection method: clinical testing. Allele origin: germline.
Comment: the same text as in the submission from Illumina Laboratory Services, Illumina above.

NM_004385.5(VCAN):c.9619A>G (p.Ile3207Val)

Genes: VCAN (versican; plus strand), VCAN-AS1 (VCAN antisense RNA 1; minus strand). Cytogenetic location: 5q14.3.
Variant type: single nucleotide variant.
Coding change: c.9619A>G on transcript NM_004385.5 (MANE Select); coding-DNA position 9619, A replaced by G.
Protein change: p.Ile3207Val; replaces isoleucine 3207 with valine.
Molecular consequence: missense variant.
Genome position (GRCh38, 1-based): chr5:83,553,489, A>G. VCF-style: chr5-83553489-A-G. GRCh37 (hg19) VCF-style: chr5-82849308-A-G.
Other names: c.1396A>G, p.Ile466Val (NM_001126336.3); c.6658A>G, p.Ile2220Val (NM_001164097.2); c.4357A>G, p.Ile1453Val (NM_001164098.2); short protein forms I1453V, I2220V, I466V, I3207V.
Identifiers: ClinVar variation 904378 (VCV000904378.16), dbSNP rs763005838, ClinGen allele CA3334049.
Genomic context (GRCh38, chr5:83,553,489, plus strand): 5'-CGACGCACATGGGATGCAGCTGAACGGGAATGCCGTCTGCAGGGTGCCCATCTCACAAGC[A>G]TCCTGTCTCACGAAGAACAAATGTTTGTTAATCGTATGTACCAAATAGATACGAGTTTCC-3'
Protein context (NP_004376.2, residues 3197-3217): CRLQGAHLTS[Ile3207Val]LSHEEQMFVN